The following is an entry in ClinVar:

NM_001001557.4(GDF6):c.*2170A>C

Gene: GDF6 (growth differentiation factor 6; minus strand). Cytogenetic location: 8q22.1.
Variant type: single nucleotide variant.
Coding change: c.*2170A>C on transcript NM_001001557.4 (MANE Select); 2170 bases downstream of the stop codon, A replaced by C.
Molecular consequence: 3 prime UTR variant.
Genome position (GRCh38, 1-based): chr8:96,142,393, T>G on the plus strand (A>C on the coding strand, the complement: GDF6 is on the minus strand). VCF-style: chr8-96142393-T-G. GRCh37 (hg19) VCF-style: chr8-97154621-T-G.
Identifiers: ClinVar variation 364008 (VCV000364008.5), dbSNP rs141085775, ClinGen allele CA10625948.
Genomic context (GRCh38, chr8:96,142,393, plus strand): 5'-TTAAGGAGAAAAATGCGTTTAATAATATAGCATTCGATTGCATATCATCCAGGAAAGGTG[T>G]ACTGTAAAAAATGTTTTGATTATTCATTGACCTCTGGTAACTTTAGCGTTGTAAATACTT-3'

ClinVar aggregate classification (germline): Benign (1 of 4 stars; one submission).

Conditions:
Klippel-Feil syndrome 1, autosomal dominant (KFS1). Also called: CERVICAL VERTEBRAL FUSION, AUTOSOMAL DOMINANT. Identifiers: Orphanet 2345, MedGen C1861689, MONDO:0007306, OMIM 118100.

Allele frequency attached by ClinVar (database versions not stated): gnomAD 0.00687 and 0.00734; 1000 Genomes Project 30x 0.00750; TOPMed 0.00756; 1000 Genomes Project 0.00779.

Submission:

Illumina Laboratory Services, Illumina
Classification: Benign for Klippel-Feil syndrome 1, autosomal dominant. Last evaluated: 2018-01-12. Review status: criteria provided, single submitter. Criteria: ICSL Variant Classification Criteria 13 December 2019. Collection method: clinical testing. Allele origin: germline.
Comment: This variant was observed in the ICSL laboratory as part of a predisposition screen in an ostensibly healthy population. It had not been previously curated by ICSL or reported in the Human Gene Mutation Database (HGMD: prior to June 1st, 2018), and was therefore a candidate for classification through an automated scoring system. Utilizing variant allele frequency, disease prevalence and penetrance estimates, and inheritance mode, an automated score was calculated to assess if this variant is too frequent to cause the disease. Based on the score and internal cut-off values, a variant classified as benign is not then subjected to further curation. The score for this variant resulted in a classification of benign for this disease.